The following is an entry in ClinVar:

NM_025114.4(CEP290):c.5027A>G (p.His1676Arg)

Gene: CEP290 (centrosomal protein 290; minus strand). Cytogenetic location: 12q21.32.
Variant type: single nucleotide variant.
Coding change: c.5027A>G on transcript NM_025114.4 (MANE Select); coding-DNA position 5027, A replaced by G.
Protein change: p.His1676Arg; replaces histidine 1676 with arginine.
Molecular consequence: missense variant.
Genome position (GRCh38, 1-based): chr12:88,080,381, T>C on the plus strand (A>G on the coding strand, the complement: CEP290 is on the minus strand). VCF-style: chr12-88080381-T-C. GRCh37 (hg19) VCF-style: chr12-88474158-T-C.
Other names: c.5027A>G (NM_025114.3); short protein forms H1676R.
Identifiers: ClinVar variation 1404179 (VCV001404179.7), dbSNP rs375246057, ClinGen allele CA6711804.

ClinVar aggregate classification (germline): Uncertain significance. Review status: criteria provided, multiple submitters, no conflicts (2 of 4 stars). 3 submissions from 3 submitters: Uncertain significance (2). 1 of the submissions does not count toward it. Last evaluated 2024-06-07.

Conditions:
Joubert syndrome. Also called: CEREBELLOPARENCHYMAL DISORDER IV; JOUBERT-BOLTSHAUSER SYNDROME; Familial aplasia of the vermis. Identifiers: Orphanet 475, MedGen C5979921, MONDO:0018772.
Nephronophthisis. Also called: Juvenile Nephronophthisis. Identifiers: Orphanet 655, MedGen C0687120, MONDO:0019005, HP:0000090.
Meckel-Gruber syndrome. Also called: DYSENCEPHALIA SPLANCHNOCYSTICA; GRUBER SYNDROME; Dysencephalia splachnocystica. Identifiers: Orphanet 564, MedGen C0265215, MONDO:0018921.
Senior-Loken syndrome 6 (SLSN6). Identifiers: Orphanet 3156, MedGen C1857779, MONDO:0012433, OMIM 610189.
Joubert syndrome 5 (JBTS5). Identifiers: Orphanet 2318, MedGen C1857780, MONDO:0012432, OMIM 610188.
Bardet-Biedl syndrome 14 (BBS14). Identifiers: Orphanet 110, MedGen C2673874, MONDO:0014442, OMIM 615991.
Leber congenital amaurosis 10 (LCA10). Identifiers: Orphanet 65, MedGen C1857821, MONDO:0012723, OMIM 611755.
Meckel syndrome, type 4 (MKS4). Also called: MECKEL-GRUBER SYNDROME, TYPE 4. Identifiers: Orphanet 564, MedGen C1970161, MONDO:0012626, OMIM 611134.
CEP290-related disorder. Also called: CEP290-related disorders; CEP290-related condition. Identifiers: MedGen CN239314.

Allele frequency attached by ClinVar (database versions not stated): gnomAD exomes 0.00002; ExAC 0.00003; ESP Exome Variant Server 0.00008.
gnomAD v4.1: 5 of 1,610,980 alleles (0.00031%); highest among the groups gnomAD compares: Non-Finnish European, 0.00042%; no homozygotes.

Submissions (3):

Fulgent Genetics
Classification: Uncertain significance for Joubert syndrome 5; Senior-Loken syndrome 6; Meckel syndrome, type 4; Leber congenital amaurosis 10; Bardet-Biedl syndrome 14. Last evaluated: 2024-06-07. Review status: criteria provided, single submitter. Criteria: ACMG Guidelines, 2015. Collection method: clinical testing. Allele origin: germline.

Labcorp Genetics (formerly Invitae), Labcorp
Classification: Uncertain significance for Joubert syndrome; Meckel-Gruber syndrome; Nephronophthisis. Last evaluated: 2022-08-16. Review status: criteria provided, single submitter. Criteria: Invitae Variant Classification Sherloc (09022015). Collection method: clinical testing. Allele origin: germline.
Comment: This sequence change replaces histidine, which is basic and polar, with arginine, which is basic and polar, at codon 1676 of the CEP290 protein (p.His1676Arg). This variant is present in population databases (rs375246057, gnomAD 0.003%). This variant has not been reported in the literature in individuals affected with CEP290-related conditions. ClinVar contains an entry for this variant (Variation ID: 1404179). Algorithms developed to predict the effect of missense changes on protein structure and function are either unavailable or do not agree on the potential impact of this missense change (SIFT: "Deleterious"; PolyPhen-2: "Possibly Damaging"; Align-GVGD: "Class C0"). In summary, the available evidence is currently insufficient to determine the role of this variant in disease. Therefore, it has been classified as a Variant of Uncertain Significance.

PreventionGenetics, part of Exact Sciences
Classification: Uncertain significance for CEP290-related condition. Last evaluated: 2024-03-06. Review status: no assertion criteria provided. Collection method: clinical testing. Allele origin: germline. Not counted in ClinVar's aggregate classification.
Comment: The CEP290 c.5027A>G variant is predicted to result in the amino acid substitution p.His1676Arg. To our knowledge, this variant has not been reported in the literature. This variant is reported in 0.0036% of alleles in individuals of European (Non-Finnish) descent in gnomAD. At this time, the clinical significance of this variant is uncertain due to the absence of conclusive functional and genetic evidence.